The following is an entry in ClinVar:

NC_000001.10:g.(?_193104511)_(193104729_?)del

Gene: CDC73 (cell division cycle 73; plus strand). Cytogenetic location: 1q31.2.
Variant type: Deletion.
Identifiers: ClinVar variation 1460166 (VCV001460166.7).

ClinVar aggregate classification (germline): Pathogenic (1 of 4 stars; one submission).

Conditions:
Parathyroid carcinoma (PRTC). Also called: CDC73-Related Parathyroid Carcinoma; Parathyroid gland carcinoma. Identifiers: Orphanet 143, MedGen C0687150, MONDO:0012004, OMIM 608266, HP:0006780.

Submission:

Labcorp Genetics (formerly Invitae), Labcorp
Classification: Pathogenic for Parathyroid carcinoma. Last evaluated: 2022-12-13. Review status: criteria provided, single submitter. Criteria: Invitae Variant Classification Sherloc (09022015). Collection method: clinical testing. Allele origin: germline.
Comment: For these reasons, this variant has been classified as Pathogenic. This variant has not been reported in the literature in individuals affected with CDC73-related conditions. This variant is a gross deletion of the genomic region encompassing exon(s) 4-5 of the CDC73 gene. This deletion is out-of-frame, and is expected to create a premature termination codon and result in an absent or disrupted protein product. Loss-of-function variants in CDC73 are known to be pathogenic (PMID: 12434154).

Literature cited by the submitters: PubMed 12434154.